The following is an entry in ClinVar:

ClinVar aggregate classification (germline): Uncertain significance. Review status: criteria provided, multiple submitters, no conflicts (2 of 4 stars). 2 submissions from 2 submitters: Uncertain significance (2). Last evaluated 2025-07-15.

Conditions:
Inborn genetic diseases. Identifiers: MedGen C0950123, MeSH D030342.

gnomAD v4.1: 1 of 1,614,046 alleles (0.000062%); highest among the groups gnomAD compares: Admixed American, 0.0017%; no homozygotes.

Submissions (2):

Ambry Genetics
Classification: Uncertain significance for Inborn genetic diseases. Last evaluated: 2025-07-15. Review status: criteria provided, single submitter. Criteria: Ambry Variant Classification Scheme 2023. Collection method: clinical testing. Allele origin: germline.

Women's Health and Genetics/Laboratory Corporation of America, LabCorp
Classification: Uncertain significance. Last evaluated: 2024-04-09. Review status: criteria provided, single submitter. Criteria: LabCorp Variant Classification Summary - May 2015. Collection method: clinical testing. Allele origin: germline.
Comment: Variant summary: SALL1 c.3681T>G (p.Ser1227Arg) results in a non-conservative amino acid change in the encoded protein sequence. Three of five in-silico tools predict a benign effect of the variant on protein function. The variant allele was found at a frequency of 8e-06 in 251466 control chromosomes. The available data on variant occurrences in the general population are insufficient to allow any conclusion about variant significance. To our knowledge, no occurrence of c.3681T>G in individuals affected with Townes-Brocks Syndrome 1 and no experimental evidence demonstrating its impact on protein function have been reported. No submitters have cited clinical-significance assessments for this variant to ClinVar. Based on the evidence outlined above, the variant was classified as uncertain significance.

NM_002968.3(SALL1):c.3681T>G (p.Ser1227Arg)

Gene: SALL1 (spalt like transcription factor 1; minus strand). Cytogenetic location: 16q12.1.
Variant type: single nucleotide variant.
Coding change: c.3681T>G on transcript NM_002968.3 (MANE Select); coding-DNA position 3681, T replaced by G.
Protein change: p.Ser1227Arg; replaces serine 1227 with arginine.
Molecular consequence: missense variant.
Genome position (GRCh38, 1-based): chr16:51,137,406, A>C on the plus strand (T>G on the coding strand, the complement: SALL1 is on the minus strand). VCF-style: chr16-51137406-A-C. GRCh37 (hg19) VCF-style: chr16-51171317-A-C.
Other names: c.3390T>G, p.Ser1130Arg (NM_001127892.2); short protein forms S1130R, S1227R.
Identifiers: ClinVar variation 3251395 (VCV003251395.2), dbSNP rs1170249889.
Genomic context (GRCh38, chr16:51,137,406, plus strand): 5'-CATCGCCAGCCCGTTGGAGAGCGCTGCTGCATACTGATTCCAGAAGCTGGAAGGATCCCC[A>C]CTTCCTGATCTTGCCGCCAAATCCTTCTGGAACATTTCTGGGAACTTGACGGGATTGCCT-3'
Protein context (NP_002959.2, residues 1217-1237): FQKDLAARSG[Ser1227Arg]GDPSSFWNQY